The following is an entry in ClinVar:

NM_006059.4(LAMC3):c.1166-1G>A

Gene: LAMC3 (laminin subunit gamma 3; plus strand). Cytogenetic location: 9q34.12.
Variant type: single nucleotide variant.
Coding change: c.1166-1G>A on transcript NM_006059.4 (MANE Select); the canonical splice acceptor site of the intron before coding-DNA position 1166, G replaced by A.
Molecular consequence: splice acceptor variant.
Genome position (GRCh38, 1-based): chr9:131,039,130, G>A. VCF-style: chr9-131039130-G-A. GRCh37 (hg19) VCF-style: chr9-133914517-G-A.
Identifiers: ClinVar variation 1947260 (VCV001947260.6), dbSNP rs1402701697, ClinGen allele CA375259542.

ClinVar aggregate classification (germline): Likely pathogenic. Review status: criteria provided, multiple submitters, no conflicts (2 of 4 stars). 2 submissions from 2 submitters: Likely pathogenic (2). Last evaluated 2026-01-17.

Conditions:
Occipital pachygyria and polymicrogyria. Identifiers: Orphanet 280640, MedGen C3279875, MONDO:0013583, OMIM 614115.

Allele frequency attached by ClinVar (database versions not stated): gnomAD 0.00001; gnomAD exomes 0.00001; TOPMed 0.00001.
gnomAD v4.1: 12 of 1,611,228 alleles (0.00074%); highest among the groups gnomAD compares: Non-Finnish European, 0.001%; no homozygotes.

Submissions (2):

Labcorp Genetics (formerly Invitae), Labcorp
Classification: Likely pathogenic. Last evaluated: 2026-01-17. Review status: criteria provided, single submitter. Criteria: Invitae Variant Classification Sherloc (09022015). Collection method: clinical testing. Allele origin: germline.
Comment: This sequence change affects an acceptor splice site in intron 5 of the LAMC3 gene. It is expected to disrupt RNA splicing. Variants that disrupt the donor or acceptor splice site typically lead to a loss of protein function (PMID: 16199547), and loss-of-function variants in LAMC3 are known to be pathogenic (PMID: 21572413, 26802095). This variant is present in population databases (no rsID available, gnomAD 0.0009%). Disruption of this splice site has been observed in individual(s) with clinical features of LAMC3-related conditions (PMID: 28191889). ClinVar contains an entry for this variant (Variation ID: 1947260). Algorithms developed to predict the effect of sequence changes on RNA splicing suggest that this variant may disrupt the consensus splice site. In summary, the currently available evidence indicates that the variant is pathogenic, but additional data are needed to prove that conclusively. Therefore, this variant has been classified as Likely Pathogenic.

Women's Health and Genetics/Laboratory Corporation of America, LabCorp
Classification: Likely pathogenic for Occipital pachygyria and polymicrogyria. Last evaluated: 2024-04-15. Review status: criteria provided, single submitter. Criteria: LabCorp Variant Classification Summary - May 2015. Collection method: clinical testing. Allele origin: germline.
Comment: Variant summary: LAMC3 c.1166-1G>A is located in a canonical splice-site and is predicted to affect mRNA splicing resulting in a significantly altered protein due to either exon skipping, shortening, or inclusion of intronic material. Several computational tools predict a significant impact on normal splicing: Four predict the variant abolishes a canonical 3' acceptor site and creates another 3' acceptor site. However, these predictions have yet to be confirmed by functional studies. The variant allele was found at a frequency of 4e-06 in 249310 control chromosomes (gnomAD). c.1166-1G>A has been reported in the literature in an individual affected with a neurodevelopmental disorder. This report does not provide unequivocal conclusions about association of the variant with Occipital Pachygyria And Polymicrogyria. To our knowledge, no experimental evidence demonstrating an impact on protein function has been reported. The following publication has been ascertained in the context of this evaluation (PMID: 28191889). ClinVar contains an entry for this variant (Variation ID: 1947260). Based on the evidence outlined above, the variant was classified as likely pathogenic.

Literature cited by the submitters: PubMed 16199547 (cited by Labcorp Genetics (formerly Invitae), Labcorp); PubMed 21572413 (cited by Labcorp Genetics (formerly Invitae), Labcorp); PubMed 26802095 (cited by Labcorp Genetics (formerly Invitae), Labcorp); PubMed 28191889 (cited by Labcorp Genetics (formerly Invitae), Labcorp and Women's Health and Genetics/Laboratory Corporation of America, LabCorp).